The following continues an entry in ClinVar:

NM_000051.4(ATM):c.9139C>T (p.Arg3047Ter)

ClinVar aggregate classification (germline): Pathogenic. Pathogenic (1).

Submissions 10 to 22 of 22:

Ambry Genetics
Classification: Pathogenic for Hereditary cancer-predisposing syndrome. Last evaluated: 2025-02-14. Review status: criteria provided, single submitter. Criteria: Ambry Variant Classification Scheme 2023. Collection method: clinical testing. Allele origin: germline. Not counted in ClinVar's aggregate classification.
Comment: The p.R3047* pathogenic mutation (also known as c.9139C>T), located in coding exon 62 of the ATM gene, results from a C to T substitution at nucleotide position 9139. This changes the amino acid from an arginine to a stop codon within coding exon 62. This alteration occurs at the 3' terminus of theATM gene, is not expected to trigger nonsense-mediated mRNA decay, and impacts the last 10 amino acids of the protein. However, premature stop codons are typically deleterious in nature and functional studies have indicated that while this pathogenic alteration does not inhibit ATM protein expression, it does result in little to no kinase activity of downstream targets (Gilad S et al. Am. J. Hum. Genet. 1998 Mar;62:551-61; Banin S et al. Science. 1998 Sep;281:1674-7; Barone G et al. Hum. Mutat. 2009 Aug;30:1222-30; Byrd PJ et al. Br.J. Cancer. 2012 Jan;106:262-8; Carney EF et al. J. Immunol. 2012 Jul;189:261-8). Another functional study showed that this mutant protein could be activated in response to DNA damage but not in response to oxidation (Guo Z et al. Science. 2010 Oct;330:517-21; Guo Z et al. Cell Cycle. 2010 Dec;9:4805-11). This variant has been reported in conjunction with a second ATM mutation in an individual with an atypical ataxia-telangiectasia (A-T) phenotype (McConville CM et al. Am. J. Hum. Genet. 1996 Aug;59:320-30). It has also been detected in the compound heterozygous state, as well as in the homozygous state, in families diagnosed with A-T (Toyoshima M et al. Am. J. Med. Genet. 1998 Jan;75:141-4; Stankovic T et al. Am. J. Hum. Genet. 1998 Feb;62:334-45; Chessa L et al. Ann. Hum. Genet. 2009 Sep;73:532-9; Byrd PJ et al. Br.J. Cancer. 2012 Jan;106:262-8; Carney EF et al. J. Immunol. 2012 Jul;189:261-8; Liu XL et al. Neurosci. Lett. 2016 Jan;611:112-5; Gilad S et al. Am. J. Hum. Genet. 1998 Mar;62:551-61; Laake K et al. Hum. Mutat. 2000 Sep;16:232-46). This alteration has also been reported in patients diagnosed with breast and/or pancreatic cancers (Maxwell KN et al. Am. J. Hum. Genet. 2016 May;98:801-17; Sun J et al. Clin. Cancer Res. 2017 Oct;23:6113-6119; Decker B et al. J. Med. Genet. 2017 Nov;54:732-741; Dominguez-Valentin M et al. Hered Cancer Clin Pract. 2018 Jan;16:4; Dudley B et al. Cancer. 2018 Apr;124:1691-1700). Based on the supporting evidence, this alteration is interpreted as a disease-causing mutation.

Color Diagnostics, LLC DBA Color Health
Classification: Pathogenic for Hereditary cancer-predisposing syndrome. Last evaluated: 2024-06-24. Review status: criteria provided, single submitter. Criteria: ACMG Guidelines, 2015. Collection method: clinical testing. Allele origin: germline. Not counted in ClinVar's aggregate classification.
Comment: This variant changes 1 nucleotide in exon 63 of the ATM gene, creating a premature translation stop signal in the last coding exon. While this mutant transcript is predicted to escape nonsense-mediated decay and be expressed as a truncated protein, it is expected to disrupt the FATC domain. A functional study has shown this variant protein has no detectable kinase activity in an in vitro assay in a transfected ATM-null cell line (PMID: 19431188). This variant has been reported in homozygous carriers (siblings) (PMID: 19691550) and multiple unrelated compound heterozygous carriers affected with ataxia-telangiectasia (PMID: 8755918, 9450874, 10980530, 19691550, 22649200, 26628246). This variant has also been reported in individuals affected with colorectal, pancreatic, gastric, and breast cancer (PMID: 28724667, 29360161, 33048355). This variant has been identified in 5/282840 chromosomes in the general population by the Genome Aggregation Database (gnomAD). Loss of ATM function is a known mechanism of disease. Based on the available evidence, this variant is classified as Pathogenic.

Myriad Genetics, Inc.
Classification: Pathogenic for Familial cancer of breast. Last evaluated: 2024-02-06. Review status: criteria provided, single submitter. Criteria: Myriad Autosomal Dominant, Autosomal Recessive and X-Linked Classification Criteria (2023). Collection method: clinical testing. Allele origin: unknown. Not counted in ClinVar's aggregate classification.
Comment: This variant is considered pathogenic. This variant creates a termination codon and is predicted to result in premature protein truncation.

Baylor Genetics
Classification: Pathogenic for Familial cancer of breast. Last evaluated: 2024-01-08. Review status: criteria provided, single submitter. Criteria: ACMG Guidelines, 2015. Collection method: clinical testing. Allele origin: unknown. Not counted in ClinVar's aggregate classification.

GeneDx
Classification: Pathogenic. Last evaluated: 2022-11-15. Review status: criteria provided, single submitter. Criteria: GeneDx Variant Classification Process June 2021. Collection method: clinical testing. Allele origin: germline. Affected: yes. Not counted in ClinVar's aggregate classification.
Comment: Nonsense variant predicted to result in protein truncation, as the last 10 amino acids are lost, and other loss-of-function variants have been reported downstream in HGMD; Not observed at significant frequency in large population cohorts (gnomAD); Truncating variants in this gene are considered pathogenic by a well-established clinical consortium and/or database; Published functional studies demonstrate a damaging effect: absent kinase activity and deficient activation by oxidation (Barone et al., 2009; Guo et al., 2010; van Os et al., 2017); Observed in the homozygous state in at least one individual with ataxia-telangiectasia (A-T) and in trans with ATM pathogenic variants in other affected individuals (Toyoshima et al., 1998; Chessa et al., 2009; Byrd et al., 2012; Liu et al., 2016); This variant is associated with the following publications: (PMID: 10397742, 9497252, 26787654, 17124347, 27153395, 32866655, 29922827, 28888541, 19691550, 22146522, 8755918, 21933854, 26628246, 18560558, 15928302, 11243240, 22649200, 10234507, 22079189, 9450874, 1632451, 19431188, 28126470, 9733514, 28543935, 20966255, 28779002, 29371908, 29360161, 26556299, 28724667, 30549301, 30607632, 26896183, 32427313, 23532176)

St. Jude Molecular Pathology, St. Jude Children's Research Hospital
Classification: Pathogenic for Familial cancer of breast. Last evaluated: 2022-09-28. Review status: criteria provided, single submitter. Criteria: St. Jude Assertion Criteria 2020. Collection method: clinical testing. Allele origin: germline. Not counted in ClinVar's aggregate classification.
Comment: The ATM c.9139C>T (p.Arg3047Ter) change is a nonsense variant that is predicted to cause premature protein truncation and loss of normal protein function. A functional assay showed that this variant has no detectable kinase activity (PMID: 19431188). This variant has a maximum frequency of 0.0098% in gnomAD v2.1.1, and is not reported in a database of women older than 70 years of age who have never had cancer (FLOSSIES database). This variant has been observed in a compound heterozygous state in multiple individuals with ataxia-telangiectasia (PMID: 10980530, 26628246, 19691550, 22649200). In summary, this variant meets criteria to be classified as pathogenic.

Department of Pathology and Laboratory Medicine, Sinai Health System
Classification: Pathogenic for ATM-related cancer predisposition. Last evaluated: 2022-05-02. Review status: criteria provided, single submitter. Criteria: ACMG Guidelines, 2015. Collection method: clinical testing. Allele origin: germline. Affected: no. Not counted in ClinVar's aggregate classification.

Fulgent Genetics
Classification: Pathogenic for Familial cancer of breast; Ataxia-telangiectasia syndrome. Last evaluated: 2022-04-08. Review status: criteria provided, single submitter. Criteria: ACMG Guidelines, 2015. Collection method: clinical testing. Allele origin: unknown. Not counted in ClinVar's aggregate classification.

Women's Health and Genetics/Laboratory Corporation of America, LabCorp
Classification: Pathogenic for Ataxia-telangiectasia syndrome. Last evaluated: 2021-11-01. Review status: criteria provided, single submitter. Criteria: LabCorp Variant Classification Summary - May 2015. Collection method: clinical testing. Allele origin: germline. Not counted in ClinVar's aggregate classification.
Comment: Variant summary: ATM c.9139C>T (p.Arg3047X) located in the last exon, results in a premature termination codon, predicted to cause a truncation of the encoded protein or absence of the protein due to nonsense mediated decay, which are commonly known mechanisms for disease. Truncations downstream of this position have not been classified as pathogenic by our laboratory but have been reported in the HGMD database. The variant allele was found at a frequency of 1.6e-05 in 251438 control chromosomes (gnomAD). c.9139C>T has been reported in the literature in multiple individuals affected with Ataxia-Telangiectasia (examples: Toyoshima_1998, Stankovic_1998, Delia_2000, Laake_2000, Carney_2012, Liu_2016, Schon_2019). These data indicate that the variant is associated with disease. One publication reports experimental evidence evaluating an impact on protein. Reduced protein levels <10% was observed from a patient homozygous for this variant (Delia_2000). Five clinical diagnostic laboratories have submitted clinical-significance assessments for this variant to ClinVar after 2014 and all laboratories classified the variant as pathogenic. Based on the evidence outlined above, the variant was classified as pathogenic.

Kasturba Medical College, Manipal, Kasturba Medical College, Manipal, Manipal Academy of Higher Education, Manipal, India
Classification: Pathogenic for Ataxia-telangiectasia syndrome. Review status: criteria provided, single submitter. Criteria: ACMG Guidelines, 2015. Collection method: clinical testing. Allele origin: maternal. Inheritance: Autosomal recessive inheritance. Affected: yes. Observed: 1 compound heterozygote. Not counted in ClinVar's aggregate classification.
Comment: Based on in-silico analysis tools(CADD - 39, GREP++ - 5.090), this variant c.9139C>T is predicted to introduce a premature termination codon which is likely to result in either truncated protein or might undergo nonsense-mediated mRNA decay(MutationTaster). ACMG criteria: PVS1, PM2, PM3, PS3, PP5 - Pathogenic.

Counsyl
Classification: Pathogenic for Ataxia-telangiectasia syndrome. Last evaluated: 2017-11-08. Review status: no assertion criteria provided. Collection method: clinical testing. Allele origin: unknown. Not counted in ClinVar's aggregate classification.

OMIM
Classification: Pathogenic for ATAXIA-TELANGIECTASIA WITHOUT IMMUNODEFICIENCY. Last evaluated: 1998-01-13. Review status: no assertion criteria provided. Collection method: literature only. Allele origin: germline. Not counted in ClinVar's aggregate classification.

Laboratory of Urology, Hospital Clinic de Barcelona
Classification: Pathogenic for Malignant tumor of urinary bladder. Review status: no assertion criteria provided. Collection method: research. Allele origin: somatic. Affected: yes. Not counted in ClinVar's aggregate classification.

Literature cited by the submitters: PubMed 19431188 (cited by 6 submitters); PubMed 26628246 (cited by 6 submitters); PubMed 30549301 (cited by Natera, Inc. and Women's Health and Genetics/Laboratory Corporation of America, LabCorp); PubMed 22649200 (cited by 4 submitters); PubMed 19691550 (cited by 7 submitters); PubMed 8755918 (cited by 6 submitters); PubMed 10980530 (cited by 7 submitters); PubMed 18560558 (cited by Labcorp Genetics (formerly Invitae), Labcorp and GeneKor MSA); PubMed 20966255 (cited by Ambry Genetics and Counsyl); PubMed 21150274 (cited by Ambry Genetics); PubMed 27153395 (cited by Ambry Genetics); PubMed 28724667 (cited by Ambry Genetics and Color Diagnostics, LLC DBA Color Health); PubMed 28779002 (cited by Ambry Genetics); PubMed 29360161 (cited by Ambry Genetics and Color Diagnostics, LLC DBA Color Health); PubMed 29371908 (cited by Ambry Genetics); PubMed 9450874 (cited by 5 submitters); PubMed 9463314 (cited by Ambry Genetics and Counsyl); PubMed 9497252 (cited by Ambry Genetics); PubMed 9733514 (cited by Ambry Genetics); PubMed 33048355 (cited by Color Diagnostics, LLC DBA Color Health); PubMed 10864201 (cited by Women's Health and Genetics/Laboratory Corporation of America, LabCorp); PubMed 32676327 (cited by Women's Health and Genetics/Laboratory Corporation of America, LabCorp); PubMed 12400598 (cited by Women's Health and Genetics/Laboratory Corporation of America, LabCorp); DOI 10.1016/j.neulet.2015.11.036 (cited by Kasturba Medical College, Manipal, Kasturba Medical College, Manipal, Manipal Academy of Higher Education, Manipal, India).